The following is an entry in ClinVar:

NM_023110.3(FGFR1):c.375G>A (p.Ser125=)

Gene: FGFR1 (fibroblast growth factor receptor 1; minus strand). Cytogenetic location: 8p11.23.
Variant type: single nucleotide variant.
Coding change: c.375G>A on transcript NM_023110.3 (MANE Select); coding-DNA position 375, G replaced by A.
Protein change: p.Ser125=; no amino-acid change (serine 125 retained).
Molecular consequence: synonymous variant.
Genome position (GRCh38, 1-based): chr8:38,428,419, C>T on the plus strand (G>A on the coding strand, the complement: FGFR1 is on the minus strand). VCF-style: chr8-38428419-C-T. GRCh37 (hg19) VCF-style: chr8-38285937-C-T.
Other names: c.375G>A, p.Ser125= (NM_001174063.2, NM_001174065.2, NM_001354367.2 and 2 more transcripts); c.351G>A, p.Ser117= (NM_001174064.2); c.108G>A, p.Ser36= (NM_001174066.2, NM_001354368.2, NM_001354370.2 and 2 more transcripts); c.474G>A, p.Ser158= (NM_001174067.2).
Identifiers: ClinVar variation 362906 (VCV000362906.19), dbSNP rs17182296, ClinGen allele CA4718767.

ClinVar aggregate classification (germline): Benign/Likely benign. Review status: criteria provided, multiple submitters, no conflicts (2 of 4 stars). 8 submissions from 5 submitters: Benign (6); Likely benign (2). Last evaluated 2026-02-01.

Conditions:
Osteoglophonic dysplasia (OGD). Also called: Osteoglophonic dwarfism. Identifiers: Orphanet 2645, MedGen C0432283, MONDO:0008150, OMIM 166250.
Trigonocephaly 1 (TRIGNO1). Identifiers: Orphanet 3366, MedGen C0432122, MONDO:0008603, OMIM 190440.
Hypogonadotropic hypogonadism 2 with or without anosmia (HH2). Also called: HYPOGONADOTROPIC HYPOGONADISM 2 WITHOUT ANOSMIA; HYPOGONADOTROPIC HYPOGONADISM 2 WITH OR WITHOUT ANOSMIA, SUSCEPTIBILITY TO; HYPOGONADOTROPIC HYPOGONADISM 2 WITHOUT ANOSMIA, SUSCEPTIBILITY TO; FGFR1-Related GnRH Deficiency (Kallmann Syndrome 2). Identifiers: Orphanet 478, MedGen C1563720, MONDO:0007844, OMIM 147950. Disease mechanism: loss of function.
Pfeiffer syndrome (ACS5). Also called: ACS V. Identifiers: Orphanet 710, MedGen C0220658, MONDO:0007043, OMIM 101600.
Craniosynostosis syndrome. Also called: Craniosynostosis. Identifiers: Orphanet 1531, MedGen C0010278, MeSH D003398, MONDO:0015469, HP:0001363.

Allele frequency attached by ClinVar (database versions not stated): gnomAD 0.00009 and 0.00016; TOPMed 0.00039; ExAC 0.00052; gnomAD exomes 0.00052; 1000 Genomes Project 30x 0.00094; 1000 Genomes Project 0.00100.
gnomAD v4.1: 228 of 1,613,308 alleles (0.014%); highest among the groups gnomAD compares: East Asian, 0.4%; no homozygotes.

Submissions (11):

Labcorp Genetics (formerly Invitae), Labcorp
Classification: Benign for Pfeiffer syndrome; Hypogonadotropic hypogonadism 2 with or without anosmia. Last evaluated: 2026-02-01. Review status: criteria provided, single submitter. Criteria: Invitae Variant Classification Sherloc (09022015). Collection method: clinical testing. Allele origin: germline.

Blueprint Genetics
Classification: Benign. Last evaluated: 2024-09-10. Review status: criteria provided, single submitter. Criteria: ACMG Guidelines, 2015. Collection method: clinical testing. Allele origin: germline.

GeneDx
Classification: Likely benign. Last evaluated: 2020-10-27. Review status: criteria provided, single submitter. Criteria: GeneDx Variant Classification Process June 2021. Collection method: clinical testing. Allele origin: germline. Affected: yes.

Illumina Laboratory Services, Illumina
Classification: Benign for Craniosynostosis. Last evaluated: 2018-01-13. Review status: criteria provided, single submitter. Criteria: ICSL Variant Classification Criteria 13 December 2019. Collection method: clinical testing. Allele origin: germline.
Comment: This variant was observed in the ICSL laboratory as part of a predisposition screen in an ostensibly healthy population. It had not been previously curated by ICSL or reported in the Human Gene Mutation Database (HGMD: prior to June 1st, 2018), and was therefore a candidate for classification through an automated scoring system. Utilizing variant allele frequency, disease prevalence and penetrance estimates, and inheritance mode, an automated score was calculated to assess if this variant is too frequent to cause the disease. Based on the score and internal cut-off values, a variant classified as benign is not then subjected to further curation. The score for this variant resulted in a classification of benign for this disease.

Illumina Laboratory Services, Illumina
Classification: Benign for Hypogonadotropic hypogonadism 2 with or without anosmia. Last evaluated: 2018-01-13. Review status: criteria provided, single submitter. Criteria: ICSL Variant Classification Criteria 13 December 2019. Collection method: clinical testing. Allele origin: germline.
Comment: the same text as in the submission from Illumina Laboratory Services, Illumina above.

Illumina Laboratory Services, Illumina
Classification: Benign for Osteoglophonic dysplasia. Last evaluated: 2018-01-13. Review status: criteria provided, single submitter. Criteria: ICSL Variant Classification Criteria 13 December 2019. Collection method: clinical testing. Allele origin: germline.
Comment: the same text as in the submission from Illumina Laboratory Services, Illumina above.

Illumina Laboratory Services, Illumina
Classification: Benign for Trigonocephaly 1. Last evaluated: 2018-01-13. Review status: criteria provided, single submitter. Criteria: ICSL Variant Classification Criteria 13 December 2019. Collection method: clinical testing. Allele origin: germline.
Comment: the same text as in the submission from Illumina Laboratory Services, Illumina above.

Breakthrough Genomics
Classification: Likely benign. Review status: criteria provided, single submitter. Criteria: ACMG Guidelines, 2015. Collection method: not provided. Allele origin: germline. Inheritance: Autosomal dominant inheritance. Affected: yes.

Dr. Peter K. Rogan Lab, Western University
No classification provided (evidence only). Condition: Colon adenocarcinoma. Review status: no classification provided. Collection method: in vitro. Allele origin: not applicable. Functional consequence: retained intron. Not counted in ClinVar's aggregate classification.

Dr. Peter K. Rogan Lab, Western University
No classification provided (evidence only). Condition: Cervical cancer. Review status: no classification provided. Collection method: in vitro. Allele origin: not applicable. Functional consequence: retained intron. Not counted in ClinVar's aggregate classification.

Dr. Peter K. Rogan Lab, Western University
No classification provided (evidence only). Condition: Malignant tumor of esophagus. Review status: no classification provided. Collection method: in vitro. Allele origin: not applicable. Functional consequence: retained intron. Not counted in ClinVar's aggregate classification.